The following is an entry in ClinVar:

ClinVar aggregate classification (germline): Uncertain significance. Review status: criteria provided, multiple submitters, no conflicts (2 of 4 stars). 2 submissions from 2 submitters: Uncertain significance (2). Last evaluated 2023-03-24.

Submissions (2):

Ambry Genetics
Classification: Uncertain significance. Last evaluated: 2023-03-24. Review status: criteria provided, single submitter. Criteria: Ambry Variant Classification Scheme 2023. Collection method: clinical testing. Allele origin: germline.

Labcorp Genetics (formerly Invitae), Labcorp
Classification: Uncertain significance. Last evaluated: 2022-06-04. Review status: criteria provided, single submitter. Criteria: Invitae Variant Classification Sherloc (09022015). Collection method: clinical testing. Allele origin: germline.
Comment: This sequence change replaces arginine, which is basic and polar, with serine, which is neutral and polar, at codon 151 of the SLC7A13 protein (p.Arg151Ser). This variant is not present in population databases (gnomAD no frequency). This variant has not been reported in the literature in individuals affected with SLC7A13-related conditions. ClinVar contains an entry for this variant (Variation ID: 1346967). Algorithms developed to predict the effect of missense changes on protein structure and function are either unavailable or do not agree on the potential impact of this missense change (SIFT: "Tolerated"; PolyPhen-2: "Possibly Damaging"; Align-GVGD: "Class C0"). Algorithms developed to predict the effect of sequence changes on RNA splicing suggest that this variant may create or strengthen a splice site. In summary, the available evidence is currently insufficient to determine the role of this variant in disease. Therefore, it has been classified as a Variant of Uncertain Significance.

NM_138817.3(SLC7A13):c.451C>A (p.Arg151Ser)

Gene: SLC7A13 (solute carrier family 7 member 13; minus strand). Cytogenetic location: 8q21.3.
Variant type: single nucleotide variant.
Coding change: c.451C>A on transcript NM_138817.3 (MANE Select); coding-DNA position 451, C replaced by A.
Protein change: p.Arg151Ser; replaces arginine 151 with serine.
Molecular consequence: missense variant.
Genome position (GRCh38, 1-based): chr8:86,229,827, G>T on the plus strand (C>A on the coding strand, the complement: SLC7A13 is on the minus strand). VCF-style: chr8-86229827-G-T. GRCh37 (hg19) VCF-style: chr8-87242056-G-T.
Other names: c.451C>A (NM_138817.2); short protein forms R151S.
Identifiers: ClinVar variation 1346967 (VCV001346967.7), dbSNP rs867679086, ClinGen allele CA371435356.